The following is an entry in ClinVar:

NM_014795.4(ZEB2):c.3100_3103del (p.Lys1034fs)

Gene: ZEB2 (zinc finger E-box binding homeobox 2; minus strand). Cytogenetic location: 2q22.3.
Variant type: Deletion.
Coding change: c.3100_3103del on transcript NM_014795.4 (MANE Select); coding-DNA positions 3100 to 3103, 4 bases deleted (AAAG; older notation c.3100_3103delAAAG).
Protein change: p.Lys1034fs; shifts the reading frame from lysine 1034.
Molecular consequence: frameshift variant.
Genome position (GRCh38, 1-based): chr2:144,389,993-144,389,996, CTTT deleted on the plus strand (AAAG on the coding strand, the reverse complement: ZEB2 is on the minus strand); deleting any 4 consecutive bases within chr2:144,389,993-144,389,999 gives the same sequence; the c. name uses the placement nearest the transcript's 3' end. VCF-style (leftmost placement, unchanged base first): chr2-144389992-GCTTT-G. GRCh37 (hg19) VCF-style: chr2-145147559-GCTTT-G.
Other names: c.3028_3031del, p.Lys1010fs (NM_001171653.2); short protein forms K1034fs, K1010fs.
Identifiers: ClinVar variation 2077030 (VCV002077030.4), dbSNP rs2549101967, ClinGen allele CA2580063847.
Genomic context (GRCh38, chr2:144,389,992, plus strand): 5'-TAGGGCTTCTCGCCCGAGTGAAGCCTTGAGTGCTCGATAAGGTGGTGCTTGTGTTTAAAC[GCTTT>G]CTTACAAATCTGACACTGATGTGGTCTTTTTCCTGGGAGAAAGAACAAGATGACAGGGTG-3'

ClinVar aggregate classification (germline): Pathogenic (1 of 4 stars; one submission).

Conditions:
Mowat-Wilson syndrome (MOWS). Also called: Classic Mowat-Wilson Syndrome. Identifiers: Orphanet 2152, MedGen C1856113, MONDO:0009341, OMIM 235730.

Submission:

Labcorp Genetics (formerly Invitae), Labcorp
Classification: Pathogenic for Mowat-Wilson syndrome. Last evaluated: 2022-07-05. Review status: criteria provided, single submitter. Criteria: Invitae Variant Classification Sherloc (09022015). Collection method: clinical testing. Allele origin: germline.
Comment: For these reasons, this variant has been classified as Pathogenic. This variant disrupts a region of the ZEB2 protein in which other variant(s) (p.Gln1119Arg) have been determined to be pathogenic (PMID: 16688751). This suggests that this is a clinically significant region of the protein, and that variants that disrupt it are likely to be disease-causing. This variant has not been reported in the literature in individuals affected with ZEB2-related conditions. This variant is not present in population databases (gnomAD no frequency). This sequence change creates a premature translational stop signal (p.Lys1034Argfs*40) in the ZEB2 gene. While this is not anticipated to result in nonsense mediated decay, it is expected to disrupt the last 181 amino acid(s) of the ZEB2 protein.

Literature cited by the submitters: PubMed 16688751.